The following is an entry in ClinVar:

NC_000005.9:g.(?_1253843)_(1280463_?)dup

Gene: TERT (telomerase reverse transcriptase; minus strand). Cytogenetic location: 5p15.33.
Variant type: Duplication.
Identifiers: ClinVar variation 1036984 (VCV001036984.43).

ClinVar aggregate classification (germline): Uncertain significance (1 of 4 stars; one submission).

Conditions:
Idiopathic Pulmonary Fibrosis. Also called: Idiopathic fibrosing alveolitis, chronic form; idiopathic fibrosing alveolitis. Identifiers: Orphanet 2032, MedGen C1800706, MeSH D054990, MONDO:0800504.
Dyskeratosis congenita, autosomal dominant 2. Identifiers: MedGen C3151443, MONDO:0013521, OMIM 613989.

Submission:

Labcorp Genetics (formerly Invitae), Labcorp
Classification: Uncertain significance for Dyskeratosis congenita, autosomal dominant 2; Idiopathic Pulmonary Fibrosis. Last evaluated: 2023-08-04. Review status: criteria provided, single submitter. Criteria: Invitae Variant Classification Sherloc (09022015). Collection method: clinical testing. Allele origin: germline.
Comment: In summary, the available evidence is currently insufficient to determine the role of this variant in disease. Therefore, it has been classified as a Variant of Uncertain Significance. Experimental studies and prediction algorithms are not available or were not evaluated, and the functional significance of this variant is currently unknown. This variant has not been reported in the literature in individuals affected with TERT-related conditions. This variant results in a copy number gain of the genomic region encompassing exon(s) 4-16 of the TERT gene. This region includes the termination codon of the gene. This copy number gain extends beyond the assayed region for this gene and therefore may encompass additional genes. As the precise location of this event is unknown, it may be in tandem or it may be located elsewhere in the genome.